The following is an entry in ClinVar:

NM_080680.3(COL11A2):c.5179G>T (p.Val1727Leu)

Gene: COL11A2 (collagen type XI alpha 2 chain; minus strand). Cytogenetic location: 6p21.32.
Variant type: single nucleotide variant.
Coding change: c.5179G>T on transcript NM_080680.3 (MANE Select); coding-DNA position 5179, G replaced by T.
Protein change: p.Val1727Leu; replaces valine 1727 with leucine.
Molecular consequence: missense variant.
Genome position (GRCh38, 1-based): chr6:33,163,710, C>A on the plus strand (G>T on the coding strand, the complement: COL11A2 is on the minus strand). VCF-style: chr6-33163710-C-A. GRCh37 (hg19) VCF-style: chr6-33131487-C-A.
Other names: c.4858G>T, p.Val1620Leu (NM_080679.3); c.4921G>T, p.Val1641Leu (NM_080681.3); short protein forms V1620L, V1641L, V1727L.
Identifiers: ClinVar variation 2156698 (VCV002156698.4), dbSNP rs746315682, ClinGen allele CA363615407.

ClinVar aggregate classification (germline): Uncertain significance. Review status: criteria provided, multiple submitters, no conflicts (2 of 4 stars). 2 submissions from 2 submitters: Uncertain significance (2). Last evaluated 2025-07-28.

Submissions (2):

Women's Health and Genetics/Laboratory Corporation of America, LabCorp
Classification: Uncertain significance. Last evaluated: 2025-07-28. Review status: criteria provided, single submitter. Criteria: LabCorp Variant Classification Summary - May 2015. Collection method: clinical testing. Allele origin: germline.
Comment: Variant summary: COL11A2 c.5179G>T (p.Val1727Leu) results in a conservative amino acid change in the encoded protein sequence. Algorithms developed to predict the effect of missense changes on protein structure and function are either unavailable or do not agree on the potential impact of this missense change. The variant was absent in 244862 control chromosomes. The available data on variant occurrences in the general population are insufficient to allow any conclusion about variant significance. To our knowledge, no occurrence of c.5179G>T in individuals affected with Otospondylomegaepiphyseal Dysplasia and no experimental evidence demonstrating its impact on protein function have been reported. ClinVar contains an entry for this variant (Variation ID: 2156698). Based on the evidence outlined above, the variant was classified as uncertain significance.

Labcorp Genetics (formerly Invitae), Labcorp
Classification: Uncertain significance. Last evaluated: 2024-10-23. Review status: criteria provided, single submitter. Criteria: Invitae Variant Classification Sherloc (09022015). Collection method: clinical testing. Allele origin: germline.
Comment: This sequence change replaces valine, which is neutral and non-polar, with leucine, which is neutral and non-polar, at codon 1727 of the COL11A2 protein (p.Val1727Leu). This variant is not present in population databases (gnomAD no frequency). This variant has not been reported in the literature in individuals affected with COL11A2-related conditions. ClinVar contains an entry for this variant (Variation ID: 2156698). Invitae Evidence Modeling of protein sequence and biophysical properties (such as structural, functional, and spatial information, amino acid conservation, physicochemical variation, residue mobility, and thermodynamic stability) indicates that this missense variant is not expected to disrupt COL11A2 protein function with a negative predictive value of 95%. In summary, the available evidence is currently insufficient to determine the role of this variant in disease. Therefore, it has been classified as a Variant of Uncertain Significance.